The following is an entry in ClinVar:

ClinVar aggregate classification (germline): Pathogenic/Likely pathogenic. Review status: criteria provided, multiple submitters, no conflicts (2 of 4 stars). 3 submissions from 3 submitters: Pathogenic (1); Likely pathogenic (1). 1 of the submissions does not count toward it. Last evaluated 2025-01-15.

Conditions:
Polycystic liver disease 3 with or without kidney cysts. Identifiers: MedGen C4693472, MONDO:0054743, OMIM 617874.
ALG8 congenital disorder of glycosylation. Also called: ALG8-CDG; CONGENITAL DISORDER OF GLYCOSYLATION, TYPE Ih; CDG Ih. Identifiers: Orphanet 79325, MedGen C2931002, MONDO:0011969, OMIM 608104.
Autosomal dominant polycystic liver disease. Also called: Congenital cystic disease of liver; Polycystic liver disease. Identifiers: Orphanet 2924, MedGen C0158683, MONDO:0000447, HP:0006557.

Submissions (3):

Victorian Clinical Genetics Services, Murdoch Childrens Research Institute
Classification: Pathogenic for Polycystic liver disease 3 with or without kidney cysts. Last evaluated: 2025-01-15. Review status: criteria provided, single submitter. Criteria: ACMG Guidelines, 2015. Collection method: clinical testing. Allele origin: germline. Affected: yes.
Comment: This variant is classified as Pathogenic. Evidence in support of pathogenic classification: Variant is predicted to cause nonsense-mediated decay (NMD) and loss of protein (premature termination codon is located at least 54 nucleotides upstream of the final exon-exon junction); Variant is present in gnomAD <0.001 for a dominant condition (v4: 2 heterozygote(s), 0 homozygote(s)); Other NMD-predicted variant(s) comparable to the one identified in this case have very strong previous evidence for pathogenicity (DECIPHER). Additional information: This variant is heterozygous; This gene is associated with both recessive and dominant disease, where the same variants have been reported to cause both conditions (PMIDs: 28375157, 26066342); Loss of function is a known mechanism of disease in this gene and is associated with congenital disorder of glycosylation, type Ih (MIM#608104) and polycystic liver disease 3 with or without kidney cysts (MIM#617874); Variants in this gene are known to have variable expressivity (OMIM); Inheritance information for this variant is not currently available in this individual.

Fulgent Genetics
Classification: Likely pathogenic for ALG8 congenital disorder of glycosylation; Polycystic liver disease 3 with or without kidney cysts. Last evaluated: 2024-01-16. Review status: criteria provided, single submitter. Criteria: ACMG Guidelines, 2015. Collection method: clinical testing. Allele origin: germline.

Laboratory of Gastroenterology and Hepatology, Radboud University Medical Center
Classification: Pathogenic for Isolated polycystic liver disease. Last evaluated: 2021-06-08. Review status: no assertion criteria provided. Collection method: research. Allele origin: germline. Affected: yes. Not counted in ClinVar's aggregate classification.

Literature cited by the submitters: PubMed 28375157 (cited by Victorian Clinical Genetics Services, Murdoch Childrens Research Institute); PubMed 26066342 (cited by Victorian Clinical Genetics Services, Murdoch Childrens Research Institute).

NM_024079.5(ALG8):c.272del (p.Asn91fs)

Gene: ALG8 (ALG8 alpha-1,3-glucosyltransferase; minus strand). Cytogenetic location: 11q14.1.
Variant type: Deletion.
Coding change: c.272del on transcript NM_024079.5 (MANE Select); coding-DNA position 272, one base deleted (A; older notation c.272delA).
Protein change: p.Asn91fs; shifts the reading frame from asparagine 91.
Molecular consequence: frameshift variant.
Genome position (GRCh38, 1-based): chr11:78,124,117, T deleted on the plus strand (A on the coding strand, the reverse complement: ALG8 is on the minus strand); the first of 2 consecutive T bases (chr11:78,124,117-78,124,118); deleting either gives the same sequence. VCF-style (leftmost placement, unchanged base first): chr11-78124116-AT-A. GRCh37 (hg19) VCF-style: chr11-77835162-AT-A.
Other names: c.272del, p.Asn91fs (NM_001007027.3); short protein forms N91fs.
Identifiers: ClinVar variation 2506353 (VCV002506353.6), dbSNP rs866578354, ClinGen allele CA224914037.